The following is an entry in ClinVar:

NM_198578.4(LRRK2):c.860T>A (p.Val287Glu)

Gene: LRRK2 (leucine rich repeat kinase 2; plus strand). Cytogenetic location: 12q12.
Variant type: single nucleotide variant.
Coding change: c.860T>A on transcript NM_198578.4 (MANE Select); coding-DNA position 860, T replaced by A.
Protein change: p.Val287Glu; replaces valine 287 with glutamic acid.
Molecular consequence: missense variant.
Genome position (GRCh38, 1-based): chr12:40,249,847, T>A. VCF-style: chr12-40249847-T-A. GRCh37 (hg19) VCF-style: chr12-40643649-T-A.
Other names: short protein forms V287E.
Identifiers: ClinVar variation 2624884 (VCV002624884.2), dbSNP rs775324471, ClinGen allele CA6513226.

ClinVar aggregate classification (germline): Uncertain significance (1 of 4 stars; one submission).

Conditions:
Inborn genetic diseases. Identifiers: MedGen C0950123, MeSH D030342.

Allele frequency attached by ClinVar (database versions not stated): gnomAD exomes below 0.00001; ExAC 0.00001.
gnomAD v4.1: 1 of 1,613,842 alleles (0.000062%); highest among the groups gnomAD compares: Admixed American, 0.0017%; no homozygotes.

Submission:

Ambry Genetics
Classification: Uncertain significance for Inborn genetic diseases. Last evaluated: 2023-08-26. Review status: criteria provided, single submitter. Criteria: Ambry Variant Classification Scheme 2023. Collection method: clinical testing. Allele origin: germline.
Comment: The p.V287E variant (also known as c.860T>A), located in coding exon 8 of the LRRK2 gene, results from a T to A substitution at nucleotide position 860. The valine at codon 287 is replaced by glutamic acid, an amino acid with dissimilar properties. This amino acid position is conserved. In addition, this alteration is predicted to be deleterious by in silico analysis. Since supporting evidence is limited at this time, the clinical significance of this alteration remains unclear.